The following is an entry in ClinVar:

NM_000284.4(PDHA1):c.1026_1051dup (p.Gln351fs)

Gene: PDHA1 (pyruvate dehydrogenase E1 subunit alpha 1; plus strand). Cytogenetic location: Xp22.12.
Variant type: Duplication.
Coding change: c.1026_1051dup on transcript NM_000284.4 (MANE Select); coding-DNA positions 1026 to 1051, 26 bases duplicated (GAGGAAGGAGATTGAGGATGCTGCCC).
Protein change: p.Gln351fs; shifts the reading frame from glutamine 351.
Molecular consequence: frameshift variant.
Genome position (GRCh38, 1-based): chrX:19,359,506-19,359,531, GAGGAAGGAGATTGAGGATGCTGCCC duplicated. VCF-style (leftmost placement, unchanged base first): chrX-19359505-T-TGAGGAAGGAGATTGAGGATGCTGCCC. GRCh37 (hg19) VCF-style: chrX-19377623-T-TGAGGAAGGAGATTGAGGATGCTGCCC.
Other names: c.1140_1165dup, p.Gln389fs (NM_001173454.2); c.1047_1072dup, p.Gln358fs (NM_001173455.2); c.933_958dup, p.Gln320fs (NM_001173456.2); short protein forms Q320fs, Q351fs, Q358fs, Q389fs.
Identifiers: ClinVar variation 4070426 (VCV004070426.1).

ClinVar aggregate classification (germline): Pathogenic (0 of 4 stars; one submission).

Conditions:
Pyruvate dehydrogenase E1-alpha deficiency (PDHAD). Also called: ATAXIA, INTERMITTENT, WITH PYRUVATE DEHYDROGENASE DEFICIENCY; ATAXIA WITH LACTIC ACIDOSIS I; ATAXIA, INTERMITTENT, WITH ABNORMAL PYRUVATE METABOLISM; Ataxia, intermittent, with pyruvate dehydrogenase, or decarboxylase, deficiency. Identifiers: Orphanet 79243, MedGen C1839413, MONDO:0010717, OMIM 312170.

Submission:

PDHA1 Study Group, University Children’s Hospital, Paracelsus Medical University
Classification: Pathogenic for Pyruvate dehydrogenase E1-alpha deficiency. Last evaluated: 2024-10-15. Review status: no assertion criteria provided. Collection method: research. Allele origin: germline. Affected: yes. Observed: 1 variant allele.
Comment: The NM_000284.3:c.1026_1051dup (p.Gln351ArgfsTer82) change is a frameshift variant in PDHA1 gene. This variant is predicted to escape nonsense-mediated decay (NMD). Last literature search: July 12, 2024. This variant is absent or extremely rare in population-based cohorts in the Genome Aggregation Database (gnomAD). Individuals harboring this variant presented with clinical features compatible with PDHA1-related PDHc deficiency. In summary, this variant meets criteria to be classified as pathogenic (P) for PDHA1-related PDHc deficiency based on the ACMG/AMP criteria applied: PVS1, PM2, PM7 (last assessment October 15, 2024).

Literature cited by the submitters: DOI 10.1093/brain/awaf430.